The following is an entry in ClinVar:

ClinVar aggregate classification (germline): Uncertain significance. Review status: criteria provided, multiple submitters, no conflicts (2 of 4 stars). 2 submissions from 2 submitters: Uncertain significance (2). Last evaluated 2025-06-30.

Conditions:
POLD1-related polyposis and colorectal cancer syndrome (CRCS10). Also called: Colorectal cancer, susceptibility to, 10; Colorectal cancer 10; COLORECTAL CANCER, SUSCEPTIBILITY TO, ON CHROMOSOME 19q. Identifiers: Orphanet 220460, MedGen C2675481, MONDO:0012953, OMIM 612591.
Hereditary cancer-predisposing syndrome. Also called: Hereditary neoplastic syndrome; Tumor predisposition; Hereditary Cancer Syndrome; Neoplastic Syndromes, Hereditary. Identifiers: Orphanet 140162, MedGen C0027672, MeSH D009386, MONDO:0015356.

Submissions (2):

Ambry Genetics
Classification: Uncertain significance for Hereditary cancer-predisposing syndrome. Last evaluated: 2025-06-30. Review status: criteria provided, single submitter. Criteria: Ambry Variant Classification Scheme 2023. Collection method: clinical testing. Allele origin: germline.
Comment: The p.C1029Y variant (also known as c.3086G>A), located in coding exon 24 of the POLD1 gene, results from a G to A substitution at nucleotide position 3086. The cysteine at codon 1029 is replaced by tyrosine, an amino acid with highly dissimilar properties. This amino acid position is conserved. In addition, this alteration is predicted to be deleterious by in silico analysis. Since supporting evidence is limited at this time, the clinical significance of this alteration remains unclear.

Labcorp Genetics (formerly Invitae), Labcorp
Classification: Uncertain significance for POLD1-related polyposis and colorectal cancer syndrome. Last evaluated: 2023-03-22. Review status: criteria provided, single submitter. Criteria: Invitae Variant Classification Sherloc (09022015). Collection method: clinical testing. Allele origin: germline.
Comment: Advanced modeling of protein sequence and biophysical properties (such as structural, functional, and spatial information, amino acid conservation, physicochemical variation, residue mobility, and thermodynamic stability) performed at Invitae indicates that this missense variant is expected to disrupt POLD1 protein function. In summary, the available evidence is currently insufficient to determine the role of this variant in disease. Therefore, it has been classified as a Variant of Uncertain Significance. ClinVar contains an entry for this variant (Variation ID: 658510). This variant has not been reported in the literature in individuals affected with POLD1-related conditions. This variant is not present in population databases (gnomAD no frequency). This sequence change replaces cysteine, which is neutral and slightly polar, with tyrosine, which is neutral and polar, at codon 1029 of the POLD1 protein (p.Cys1029Tyr).

NM_002691.4(POLD1):c.3086G>A (p.Cys1029Tyr)

Gene: POLD1 (DNA polymerase delta 1, catalytic subunit; plus strand). Cytogenetic location: 19q13.33.
Variant type: single nucleotide variant.
Coding change: c.3086G>A on transcript NM_002691.4 (MANE Select); coding-DNA position 3086, G replaced by A.
Protein change: p.Cys1029Tyr; replaces cysteine 1029 with tyrosine.
Molecular consequence: missense variant. On other transcripts: non-coding transcript variant (1).
Genome position (GRCh38, 1-based): chr19:50,417,063, G>A. VCF-style: chr19-50417063-G-A. GRCh37 (hg19) VCF-style: chr19-50920320-G-A.
Other names: c.3086G>A, p.Cys1029Tyr (NM_001256849.1); c.3164G>A, p.Cys1055Tyr (NM_001308632.1); c.3086G>A (NM_002691.2); short protein forms C1055Y, C1029Y.
Identifiers: ClinVar variation 658510 (VCV000658510.12), dbSNP rs1469945467, ClinGen allele CA406987089.
Genomic context (GRCh38, chr19:50,417,063, plus strand): 5'-CTGGCTGGGCCCCAGCACTTGGGCTGACCCGCCTCCCCACAGGAGCCGTGTGTGAGTTCT[G>A]CCAGCCCCGGGAGTCTGAGCTGTATCAGAAGGAGGTGAGAGGGCCGGGAGGTGAGGAGGG-3'
Protein context (NP_002682.2, residues 1019-1039): LSHQGAVCEF[Cys1029Tyr]QPRESELYQK